The following is an entry in ClinVar:

NM_198334.3(GANAB):c.847G>A (p.Asp283Asn)

Gene: GANAB (glucosidase II alpha subunit; minus strand). Cytogenetic location: 11q12.3.
Variant type: single nucleotide variant.
Coding change: c.847G>A on transcript NM_198334.3 (MANE Select); coding-DNA position 847, G replaced by A.
Protein change: p.Asp283Asn; replaces aspartic acid 283 with asparagine.
Molecular consequence: missense variant.
Genome position (GRCh38, 1-based): chr11:62,632,714, C>T on the plus strand (G>A on the coding strand, the complement: GANAB is on the minus strand). VCF-style: chr11-62632714-C-T. GRCh37 (hg19) VCF-style: chr11-62400186-C-T.
Other names: c.571G>A, p.Asp191Asn (NM_001278192.2); c.505G>A, p.Asp169Asn (NM_001278193.2); c.556G>A, p.Asp186Asn (NM_001278194.2, NM_001329222.2, NM_001329223.2); c.124G>A, p.Asp42Asn (NM_001329224.2, NM_001329225.2); c.913G>A, p.Asp305Asn (NM_198335.4); short protein forms D169N, D305N, D186N, D283N, D191N, D42N.
Identifiers: ClinVar variation 3704721 (VCV003704721.2).

ClinVar aggregate classification (germline): Uncertain significance (1 of 4 stars; one submission).

Submission:

Labcorp Genetics (formerly Invitae), Labcorp
Classification: Uncertain significance. Last evaluated: 2024-11-28. Review status: criteria provided, single submitter. Criteria: Invitae Variant Classification Sherloc (09022015). Collection method: clinical testing. Allele origin: germline.
Comment: This sequence change replaces aspartic acid, which is acidic and polar, with asparagine, which is neutral and polar, at codon 305 of the GANAB protein (p.Asp305Asn). This variant is not present in population databases (gnomAD no frequency). This variant has not been reported in the literature in individuals affected with GANAB-related conditions. Invitae Evidence Modeling of protein sequence and biophysical properties (such as structural, functional, and spatial information, amino acid conservation, physicochemical variation, residue mobility, and thermodynamic stability) indicates that this missense variant is expected to disrupt GANAB protein function with a positive predictive value of 80%. In summary, the available evidence is currently insufficient to determine the role of this variant in disease. Therefore, it has been classified as a Variant of Uncertain Significance.